The following is an entry in ClinVar:

ClinVar aggregate classification (germline): Pathogenic (1 of 4 stars; one submission).

Conditions:
Neuronal ceroid lipofuscinosis 2. Also called: TPP1-Related Neuronal Ceroid-Lipofuscinosis; JANSKY-BIELSCHOWSKY DISEASE NEURONAL CEROID LIPOFUSCINOSIS, LATE INFANTILE. Identifiers: Orphanet 168491, Orphanet 228349, Orphanet 79264, MedGen C1876161, MONDO:0008769, OMIM 204500.

Submission:

Myriad Genetics, Inc.
Classification: Pathogenic for Neuronal ceroid lipofuscinosis 2. Last evaluated: 2024-10-06. Review status: criteria provided, single submitter. Criteria: Myriad Autosomal Dominant, Autosomal Recessive and X-Linked Classification Criteria (2023). Collection method: clinical testing. Allele origin: unknown.
Comment: NM_000391.3(TPP1):c.448delG(V150Lfs*2) is expected to be pathogenic in the context of TPP1-related neuronal ceroid lipofuscinosis. This variant is predicted to lead to an abnormal or absent protein product due to the creation of a premature termination codon in TPP1, a gene where loss-of-function variants are known to be pathogenic. Please note: this variant was assessed in the context of healthy population screening.

NM_000391.4(TPP1):c.448del (p.Val150fs)

Gene: TPP1 (tripeptidyl peptidase 1; minus strand). Cytogenetic location: 11p15.4.
Variant type: Deletion.
Coding change: c.448del on transcript NM_000391.4 (MANE Select); coding-DNA position 448, one base deleted (G; older notation c.448delG).
Protein change: p.Val150fs; shifts the reading frame from valine 150.
Molecular consequence: frameshift variant.
Genome position (GRCh38, 1-based): chr11:6,617,361, C deleted on the plus strand (G on the coding strand, the reverse complement: TPP1 is on the minus strand). VCF-style (leftmost placement, unchanged base first): chr11-6617360-AC-A. GRCh37 (hg19) VCF-style: chr11-6638591-AC-A.
Other names: short protein forms V150fs.
Identifiers: ClinVar variation 5013621 (VCV005013621.1).
Genomic context (GRCh38, chr11:6,617,360, plus strand): 5'-CCAAAGTCCACATGGGGGGCCAAGGCCTGTGGAAGCTGGTAGGGATGTGGGGACCTTACA[AC>A]ATGGGTTTCCGTAGGTCCTCCCACATAGTGATGAAACTCAGCCCCAGGGAGCAGCAGCTC-3'